The following is an entry in ClinVar:

ClinVar aggregate classification (germline): Uncertain significance (1 of 4 stars; one submission).

Conditions:
Severe early-childhood-onset retinal dystrophy (STGD1). Also called: Stargardt macular dystrophy; Juvenile onset macular degeneration; Stargardt disease 1; MACULAR DYSTROPHY WITH FLECKS, TYPE 1; STGD. Identifiers: Orphanet 364055, Orphanet 827, MedGen C1855465, MeSH D000080362, MONDO:0009549, OMIM 248200.

Submission:

Victorian Clinical Genetics Services, Murdoch Childrens Research Institute
Classification: Uncertain significance for Severe early-childhood-onset retinal dystrophy. Last evaluated: 2022-09-02. Review status: criteria provided, single submitter. Criteria: ACMG Guidelines, 2015. Collection method: clinical testing. Allele origin: germline. Inheritance: Autosomal recessive inheritance. Affected: yes.
Comment: Based on the classification scheme VCGS_Germline_v1.3.4, this variant is classified as VUS-3A. Following criteria are met: 0102 - Loss of function is a known mechanism of disease in this gene and is associated with Stargardt disease (MIM#248200) and other eye conditions (OMIM). (I) 0106 - This gene is associated with autosomal recessive disease (OMIM). (I) 0115 - Variants in this gene are known to have variable expressivity (PMID: 31522899). (I) 0200 - Variant is predicted to result in a missense amino acid change from glycine to serine. (I) 0251 - This variant is heterozygous. (I) 0301 - Variant is absent from gnomAD (both v2 and v3). (SP) 0309 - An alternative amino acid change at the same position has been observed in gnomAD (v2) (1 heterozygote, 0 homozygotes). (I) 0501 - Missense variant consistently predicted to be damaging by multiple in silico tools or highly conserved with a major amino acid change. (SP) 0600 - Variant is located in the annotated ABC transporter domain (DECIPHER). (I) 0705 - No comparable missense variants have previous evidence for pathogenicity. (I) 0807 - This variant has no previous evidence of pathogenicity. (I) 0905 - No published segregation evidence has been identified for this variant. (I) 1007 - No published functional evidence has been identified for this variant. (I) 1102 - Strong phenotype match for this individual. (SP) 1208 - Inheritance information for this variant is not currently available in this individual. (I) Legend: (SP) - Supporting pathogenic, (I) - Information, (SB) - Supporting benign

Literature cited by the submitters: PubMed 31522899.

NM_000350.3(ABCA4):c.5905G>A (p.Gly1969Ser)

Gene: ABCA4 (ATP binding cassette subfamily A member 4; minus strand). Cytogenetic location: 1p22.1.
Variant type: single nucleotide variant.
Coding change: c.5905G>A on transcript NM_000350.3 (MANE Select); coding-DNA position 5905, G replaced by A.
Protein change: p.Gly1969Ser; replaces glycine 1969 with serine.
Molecular consequence: missense variant.
Genome position (GRCh38, 1-based): chr1:94,007,734, C>T on the plus strand (G>A on the coding strand, the complement: ABCA4 is on the minus strand). VCF-style: chr1-94007734-C-T. GRCh37 (hg19) VCF-style: chr1-94473290-C-T.
Other names: c.5683G>A, p.Gly1895Ser (NM_001425324.1); short protein forms G1969S, G1895S.
Identifiers: ClinVar variation 1805915 (VCV001805915.1), dbSNP rs2523644693, ClinGen allele CA341279724.